The following is an entry in ClinVar:

ClinVar aggregate classification (germline): Likely benign (1 of 4 stars; one submission).

Allele frequency attached by ClinVar (database versions not stated): gnomAD exomes 0.00003; gnomAD 0.00005; TOPMed 0.00008; 1000 Genomes Project 0.00020; 1000 Genomes Project 30x 0.00031.
gnomAD v4.1: 25 of 702,866 alleles (0.0036%); highest among the groups gnomAD compares: Middle Eastern, 0.023%; no homozygotes.

Submission:

CeGaT Center for Human Genetics Tuebingen
Classification: Likely benign. Last evaluated: 2022-08-01. Review status: criteria provided, single submitter. Criteria: CeGaT Center For Human Genetics Tuebingen Variant Classification Criteria Version 2. Collection method: clinical testing. Allele origin: germline. Affected: yes. Observed: 1 variant allele.
Comment: MYO15B: BP4, BP7

NM_001395058.1(MYO15B):c.2622C>T (p.Phe874=)

Gene: MYO15B (myosin XVB; plus strand). Cytogenetic location: 17q25.1.
Variant type: single nucleotide variant.
Coding change: c.2622C>T on transcript NM_001395058.1 (MANE Select); coding-DNA position 2622, C replaced by T.
Protein change: p.Phe874=; no amino-acid change (phenylalanine 874 retained).
Molecular consequence: synonymous variant.
Genome position (GRCh38, 1-based): chr17:75,592,051, C>T. VCF-style: chr17-75592051-C-T. GRCh37 (hg19) VCF-style: chr17-73588132-C-T.
Other names: c.2622C>T, p.Phe874= (NM_001309242.2).
Identifiers: ClinVar variation 2648268 (VCV002648268.24), dbSNP rs187414942, ClinGen allele CA294090741.